The following is an entry in ClinVar:

NM_004646.4(NPHS1):c.515_517del (p.Thr172del)

Gene: NPHS1 (NPHS1 adhesion molecule, nephrin; minus strand). Cytogenetic location: 19q13.12.
Variant type: Deletion.
Coding change: c.515_517del on transcript NM_004646.4 (MANE Select); coding-DNA positions 515 to 517, 3 bases deleted (CCA; older notation c.515_517delCCA).
Protein change: p.Thr172del; deletes threonine 172.
Molecular consequence: inframe deletion.
Genome position (GRCh38, 1-based): chr19:35,850,970-35,850,972, TGG deleted on the plus strand (CCA on the coding strand, the reverse complement: NPHS1 is on the minus strand); deleting any 3 consecutive bases within chr19:35,850,970-35,850,974 gives the same sequence; the c. name uses the placement nearest the transcript's 3' end. VCF-style (leftmost placement, unchanged base first): chr19-35850969-ATGG-A. GRCh37 (hg19) VCF-style: chr19-36341871-ATGG-A.
Other names: c.515_517delCCA (NM_004646.3); short protein forms T172del.
Identifiers: ClinVar variation 56509 (VCV000056509.28), dbSNP rs386833947, ClinGen allele CA250247.
Genomic context (GRCh38, chr19:35,850,969, plus strand): 5'-CCACTCCAGAGGCTTCATGCTGCCCCCTGCCACCCAGTTCACCCACACTCACTCAGGAGA[ATGG>A]TGATGTCAGGTGCTGGCTTCGCGTCCCCAGACACACAGTTGACCACGTACTCCTGCCCAG-3'

ClinVar aggregate classification (germline): Conflicting classifications of pathogenicity. Review status: criteria provided, conflicting classifications (1 of 4 stars). 16 submissions from 16 submitters: Pathogenic (9); Likely pathogenic (3); Uncertain significance (1). 3 of the submissions do not count toward it. Last evaluated 2025-11-19.

Conditions:
NPHS1-related disorder. Also called: NPHS1-related condition.
Nephrotic syndrome. Identifiers: MedGen C0027726, MONDO:0005377, HP:0000100.
Finnish congenital nephrotic syndrome (NPHS1). Also called: NEPHROTIC SYNDROME, TYPE 1. Identifiers: Orphanet 839, MedGen C0403399, MONDO:0009732, OMIM 256300.

Submissions (16):

Labcorp Genetics (formerly Invitae), Labcorp
Classification: Pathogenic. Last evaluated: 2025-11-19. Review status: criteria provided, single submitter. Criteria: Invitae Variant Classification Sherloc (09022015). Collection method: clinical testing. Allele origin: germline.
Comment: This variant, c.515_517del, results in the deletion of 1 amino acid(s) of the NPHS1 protein (p.Thr172del), but otherwise preserves the integrity of the reading frame. This variant is present in population databases (rs386833947, gnomAD 0.006%). This variant has been observed in individual(s) with congential nephrotic syndrome (PMID: 9915943, 20507940, 20798252, 26560236). In at least one individual the data is consistent with being in trans (on the opposite chromosome) from a pathogenic variant. This variant is also known as c.515delCCA. ClinVar contains an entry for this variant (Variation ID: 56509). For these reasons, this variant has been classified as Pathogenic.

Natera, Inc.
Classification: Pathogenic for Finnish congenital nephrotic syndrome. Last evaluated: 2025-07-07. Review status: criteria provided, single submitter. Criteria: Natera Variant Classification Schema (03/2026). Collection method: clinical testing. Allele origin: germline.
Comment: The c.515_517delCCA variant in NPHS1 is an in-frame deletion predicted to remove threonine at amino acid 172 while preserving the reading frame. This variant is rare in the general population with a frequency below the threshold expected for the associated phenotype(s). This variant has been observed in one or more individuals affected with the associated recessive disease, as either homozygous or compound heterozygous with a second variant (PMID: 37204080). This variant results in a change to the protein length while preserving reading frame, which may disrupt normal protein structure or function. Given the available evidence, this variant is classified as Pathogenic.

Fulgent Genetics
Classification: Pathogenic for Finnish congenital nephrotic syndrome. Last evaluated: 2024-05-20. Review status: criteria provided, single submitter. Criteria: ACMG Guidelines, 2015. Collection method: clinical testing. Allele origin: germline.

Genomic Medicine Center of Excellence, King Faisal Specialist Hospital and Research Centre
Classification: Likely pathogenic for Finnish congenital nephrotic syndrome. Last evaluated: 2024-03-26. Review status: criteria provided, single submitter. Criteria: ACMG Guidelines, 2015. Collection method: clinical testing. Allele origin: germline.

Laboratory of Medical Genetics, National & Kapodistrian University of Athens
Classification: Pathogenic for Finnish congenital nephrotic syndrome. Last evaluated: 2024-02-01. Review status: criteria provided, single submitter. Criteria: ACMG Guidelines, 2015. Collection method: curation. Allele origin: germline. Affected: no.

Baylor Genetics
Classification: Pathogenic for Finnish congenital nephrotic syndrome. Last evaluated: 2023-12-29. Review status: criteria provided, single submitter. Criteria: ACMG Guidelines, 2015. Collection method: clinical testing. Allele origin: unknown.

3billion
Classification: Likely pathogenic for Finnish congenital nephrotic syndrome. Last evaluated: 2023-08-21. Review status: criteria provided, single submitter. Criteria: ACMG Guidelines, 2015. Collection method: clinical testing. Allele origin: germline. Affected: yes.
Comment: The variant is observed at an extremely low frequency in the gnomAD v2.1.1 dataset (total allele frequency: 0.001%). Predicted Consequence/Location: Inframe deletion located in a nonrepeat region: predicted to change the length of the protein and disrupt normal protein function. The variant has been reported at least twice as pathogenic with clinical assertions and evidence for the classification (ClinVar ID: VCV000056509 /PMID: 9915943). Therefore, this variant is classified as Likely pathogenic according to the recommendation of ACMG/AMP guideline.

Blueprint Genetics
Classification: Pathogenic for NPHS1-related disorders. Last evaluated: 2022-01-25. Review status: criteria provided, single submitter. Criteria: ACMG Guidelines, 2015. Collection method: clinical testing. Allele origin: germline. Affected: yes. Observed: 5 variant alleles.

Institute of Medical Genetics and Applied Genomics, University Hospital Tübingen
Classification: Pathogenic. Last evaluated: 2020-10-23. Review status: criteria provided, single submitter. Criteria: ACMG Guidelines, 2015. Collection method: clinical testing. Allele origin: germline. Inheritance: Autosomal recessive inheritance. Affected: yes.

Revvity Omics, Revvity
Classification: Uncertain significance for Finnish congenital nephrotic syndrome. Last evaluated: 2020-03-16. Review status: criteria provided, single submitter. Criteria: ACMG Guidelines, 2015. Collection method: clinical testing. Allele origin: germline.

Women's Health and Genetics/Laboratory Corporation of America, LabCorp
Classification: Pathogenic for Finnish congenital nephrotic syndrome. Last evaluated: 2019-09-19. Review status: criteria provided, single submitter. Criteria: LabCorp Variant Classification Summary - May 2015. Collection method: clinical testing. Allele origin: germline.
Comment: Variant summary: NPHS1 c.515_517delCCA (p.Thr172del) results in an in-frame deletion that is predicted to remove a threonine residue from the second immunoglobulin-like domain (IPR013162) of the encoded protein. The variant allele was found at a frequency of 8e-06 in 251116 control chromosomes (gnomAD). c.515_517delCCA has been reported in the literature in multiple homozygous and compound heterozygous individuals affected with Nephrotic Syndrome, Type 1 (e.g. Buscher_2010, Machuca_2010). These data indicate that the variant is very likely to be associated with disease. To our knowledge, no experimental evidence demonstrating an impact on protein function has been reported. Two other clinical diagnostic laboratories have submitted clinical-significance assessments for this variant to ClinVar after 2014 without evidence for independent evaluation. Both laboratories classified the variant as likely pathogenic. Based on the evidence outlined above, the variant was classified as pathogenic.

Mendelics
Classification: Pathogenic for Finnish congenital nephrotic syndrome. Last evaluated: 2019-05-28. Review status: criteria provided, single submitter. Criteria: Mendelics Assertion Criteria 2017. Collection method: clinical testing. Allele origin: unknown.

Institute of Human Genetics Munich, TUM University Hospital
Classification: Likely pathogenic for Finnish congenital nephrotic syndrome. Last evaluated: 2017-12-07. Review status: criteria provided, single submitter. Criteria: Classification criteria August 2017. Collection method: clinical testing. Allele origin: inherited. Inheritance: Autosomal recessive inheritance. Affected: yes. Observed: 1 homozygote.

Yale Center for Mendelian Genomics, Yale University
Classification: Likely pathogenic for Nephrotic syndrome. Last evaluated: 2017-11-10. Review status: no assertion criteria provided. Collection method: literature only. Allele origin: germline. Affected: yes. Observed: 1 homozygote. Study: Yale Center for Mendelian Genomics. Not counted in ClinVar's aggregate classification.

Counsyl
Classification: Likely pathogenic for Finnish congenital nephrotic syndrome. Last evaluated: 2015-01-22. Review status: no assertion criteria provided. Collection method: literature only. Allele origin: unknown. Inheritance: Autosomal recessive inheritance. Not counted in ClinVar's aggregate classification.

Juha Muilu Group; Institute for Molecular Medicine Finland (FIMM)
Classification: Likely pathogenic for Finnish congenital nephrotic syndrome. Review status: no assertion criteria provided. Collection method: not provided. Allele origin: unknown. Not counted in ClinVar's aggregate classification.
Comment: FinDis database variant: FinDis database variant: This variant was not found or characterized by our laboratory, data were collected from public sources: see reference
ClinVar note: Converted during submission from probable-pathogenic to Likely pathogenic.

Literature cited by the submitters: PubMed 9915943 (cited by 3 submitters); PubMed 20507940 (cited by 3 submitters); PubMed 20798252 (cited by Labcorp Genetics (formerly Invitae), Labcorp and Women's Health and Genetics/Laboratory Corporation of America, LabCorp); PubMed 26560236 (cited by Labcorp Genetics (formerly Invitae), Labcorp); PubMed 37204080 (cited by Natera, Inc.); PubMed 29127259 (cited by Yale Center for Mendelian Genomics, Yale University); PubMed 23595123 (cited by Counsyl); PubMed 11854170 (cited by Counsyl); PubMed 21415313 (cited by Counsyl); PubMed 18709391 (cited by Counsyl); PubMed 20172850 (cited by Counsyl).